The following is an entry in ClinVar:

NM_000268.4(NF2):c.1278G>A (p.Met426Ile)

Gene: NF2 (NF2, moesin-ezrin-radixin like (MERLIN) tumor suppressor; plus strand). Cytogenetic location: 22q12.2.
Variant type: single nucleotide variant.
Coding change: c.1278G>A on transcript NM_000268.4 (MANE Select); coding-DNA position 1278, G replaced by A.
Protein change: p.Met426Ile; replaces methionine 426 with isoleucine.
Molecular consequence: missense variant. On other transcripts: non-coding transcript variant (1), intron variant (1).
Genome position (GRCh38, 1-based): chr22:29,673,424, G>A. VCF-style: chr22-29673424-G-A. GRCh37 (hg19) VCF-style: chr22-30069413-G-A.
Other names: c.1155G>A, p.Met385Ile (NM_001407054.1, NM_001407058.1, NM_181829.3); c.1152G>A, p.Met384Ile (NM_001407055.1, NM_181828.3); c.1164G>A, p.Met388Ile (NM_001407056.1, NM_001407053.1); c.1143G>A, p.Met381Ile (NM_001407057.1, NM_001407059.1); c.1278G>A, p.Met426Ile (NM_001407060.1, NM_001407066.1, NM_016418.5 and 2 more transcripts); c.1020G>A, p.Met340Ile (NM_001407062.1); c.1029G>A, p.Met343Ile (NM_001407063.1, NM_001407064.1, NM_181830.3 and 1 more transcripts); c.744G>A, p.Met248Ile (NM_001407065.1); and 2 more; short protein forms M248I, M340I, M349I, M381I, M343I, M426I, M384I, M385I.
Identifiers: ClinVar variation 1767139 (VCV001767139.8), dbSNP rs1034099232, ClinGen allele CA323116629.

ClinVar aggregate classification (germline): Uncertain significance. Review status: criteria provided, multiple submitters, no conflicts (2 of 4 stars). 2 submissions from 2 submitters: Uncertain significance (2). Last evaluated 2024-08-20.

Conditions:
Hereditary cancer-predisposing syndrome. Also called: Hereditary Cancer Syndrome; Hereditary neoplastic syndrome; Neoplastic Syndromes, Hereditary; Tumor predisposition. Identifiers: Orphanet 140162, MedGen C0027672, MeSH D009386, MONDO:0015356.
Neurofibromatosis, type 2 (SWNV). Also called: SCHWANNOMATOSIS, VESTIBULAR; NF2-Related Schwannomatosis; BILATERAL ACOUSTIC NEUROFIBROMATOSIS. Identifiers: Orphanet 637, MedGen C0027832, MONDO:0007039, OMIM 101000. Disease mechanism: loss of function.

Allele frequency attached by ClinVar (database versions not stated): TOPMed 0.00001.

Submissions (2):

Ambry Genetics
Classification: Uncertain significance for Hereditary cancer-predisposing syndrome. Last evaluated: 2024-08-20. Review status: criteria provided, single submitter. Criteria: Ambry Variant Classification Scheme 2023. Collection method: clinical testing. Allele origin: germline.
Comment: The p.M426I variant (also known as c.1278G>A), located in coding exon 12 of the NF2 gene, results from a G to A substitution at nucleotide position 1278. The methionine at codon 426 is replaced by isoleucine, an amino acid with highly similar properties. This amino acid position is well conserved in available vertebrate species. In addition, the in silico prediction for this alteration is inconclusive. Based on the available evidence, the clinical significance of this variant remains unclear.

Labcorp Genetics (formerly Invitae), Labcorp
Classification: Uncertain significance for Neurofibromatosis, type 2. Last evaluated: 2024-04-10. Review status: criteria provided, single submitter. Criteria: Invitae Variant Classification Sherloc (09022015). Collection method: clinical testing. Allele origin: germline.
Comment: This sequence change replaces methionine, which is neutral and non-polar, with isoleucine, which is neutral and non-polar, at codon 426 of the NF2 protein (p.Met426Ile). The frequency data for this variant in the population databases is considered unreliable, as metrics indicate poor data quality at this position in the gnomAD database. This variant has not been reported in the literature in individuals affected with NF2-related conditions. ClinVar contains an entry for this variant (Variation ID: 1767139). Advanced modeling of protein sequence and biophysical properties (such as structural, functional, and spatial information, amino acid conservation, physicochemical variation, residue mobility, and thermodynamic stability) performed at Invitae indicates that this missense variant is not expected to disrupt NF2 protein function with a negative predictive value of 80%. In summary, the available evidence is currently insufficient to determine the role of this variant in disease. Therefore, it has been classified as a Variant of Uncertain Significance.